The following is an entry in ClinVar:

NM_017780.4(CHD7):c.7585del (p.His2529fs)

Gene: CHD7 (chromodomain helicase DNA binding protein 7; plus strand). Cytogenetic location: 8q12.2.
Variant type: Deletion.
Coding change: c.7585del on transcript NM_017780.4 (MANE Select); coding-DNA position 7585, one base deleted (C; older notation c.7585delC).
Protein change: p.His2529fs; shifts the reading frame from histidine 2529.
Molecular consequence: frameshift variant. On other transcripts: intron variant (1).
Genome position (GRCh38, 1-based): chr8:60,856,865, C deleted; the last of 2 consecutive C bases (chr8:60,856,864-60,856,865); deleting either gives the same sequence. VCF-style (leftmost placement, unchanged base first): chr8-60856863-GC-G. GRCh37 (hg19) VCF-style: chr8-61769422-GC-G.
Other names: c.1717-5364del (NM_001316690.1); short protein forms H2529fs.
Identifiers: ClinVar variation 1443873 (VCV001443873.6), dbSNP rs2129653634, ClinGen allele CA2573143282.

ClinVar aggregate classification (germline): Pathogenic (1 of 4 stars; one submission).

Conditions:
CHARGE syndrome (CHARGE). Also called: Coloboma, heart anomaly, choanal atresia, retardation, genital and ear anomalies; CHARGE association; Hall-Hittner syndrome; Hittner Hirsch Kreh syndrome; CHARGE ASSOCIATION--COLOBOMA, HEART ANOMALY, CHOANAL ATRESIA, RETARDATION, GENITAL AND EAR ANOMALIES. Identifiers: Orphanet 138, MedGen C0265354, MONDO:0008965.

Submission:

Labcorp Genetics (formerly Invitae), Labcorp
Classification: Pathogenic for CHARGE syndrome. Last evaluated: 2020-11-10. Review status: criteria provided, single submitter. Criteria: Invitae Variant Classification Sherloc (09022015). Collection method: clinical testing. Allele origin: germline.
Comment: This sequence change creates a premature translational stop signal (p.His2529Thrfs*6) in the CHD7 gene. It is expected to result in an absent or disrupted protein product. Loss-of-function variants in CHD7 are known to be pathogenic (PMID: 22461308, 25077900). This variant is not present in population databases (ExAC no frequency). For these reasons, this variant has been classified as Pathogenic. This variant has not been reported in the literature in individuals with CHD7-related conditions.

Literature cited by the submitters: PubMed 22461308; PubMed 25077900.